The following is an entry in ClinVar:

NM_000394.4(CRYAA):c.189+124C>T

Gene: CRYAA (crystallin alpha A; plus strand). Cytogenetic location: 21q22.3.
Variant type: single nucleotide variant.
Coding change: c.189+124C>T on transcript NM_000394.4 (MANE Select); 124 bases into the intron after coding-DNA position 189, C replaced by T.
Molecular consequence: intron variant.
Genome position (GRCh38, 1-based): chr21:43,169,412, C>T. VCF-style: chr21-43169412-C-T. GRCh37 (hg19) VCF-style: chr21-44589522-C-T.
Identifiers: ClinVar variation 1686704 (VCV001686704.3), dbSNP rs117331253, ClinGen allele CA321167864.

ClinVar aggregate classification (germline): Likely benign. Review status: criteria provided, multiple submitters, no conflicts (2 of 4 stars). 2 submissions from 2 submitters: Likely benign (2). Last evaluated 2021-05-24.

Allele frequency attached by ClinVar (database versions not stated): 1000 Genomes Project 0.00419; 1000 Genomes Project 30x 0.00484; gnomAD 0.01155 and 0.01171; gnomAD exomes 0.01529.
gnomAD v4.1: 8,233 of 575,770 alleles (1.4%); highest among the groups gnomAD compares: Non-Finnish European, 1.8%; 1,636 homozygotes.

Submissions (2):

GeneDx
Classification: Likely benign. Last evaluated: 2021-05-24. Review status: criteria provided, single submitter. Criteria: GeneDx Variant Classification Process June 2021. Collection method: clinical testing. Allele origin: germline. Affected: yes.
Comment: See Variant Classification Assertion Criteria.

Breakthrough Genomics
Classification: Likely benign. Review status: criteria provided, single submitter. Criteria: ACMG Guidelines, 2015. Collection method: not provided. Allele origin: germline. Inheritance: Autosomal dominant inheritance. Affected: yes.